The following is an entry in ClinVar:

NM_005359.6(SMAD4):c.184A>C (p.Thr62Pro)

Gene: SMAD4 (SMAD family member 4; plus strand). Cytogenetic location: 18q21.2.
Variant type: single nucleotide variant.
Coding change: c.184A>C on transcript NM_005359.6 (MANE Select); coding-DNA position 184, A replaced by C.
Protein change: p.Thr62Pro; replaces threonine 62 with proline.
Molecular consequence: missense variant. On other transcripts: non-coding transcript variant (2).
Genome position (GRCh38, 1-based): chr18:51,047,230, A>C. VCF-style: chr18-51047230-A-C. GRCh37 (hg19) VCF-style: chr18-48573600-A-C.
Other names: c.184A>C, p.Thr62Pro (NM_001407041.1, NM_001407042.1, NM_001407043.1); short protein forms T62P.
Identifiers: ClinVar variation 5029719 (VCV005029719.1).

ClinVar aggregate classification (germline): Uncertain significance (1 of 4 stars; one submission).

Conditions:
Familial thoracic aortic aneurysm and aortic dissection (TAAD). Also called: Thoracic aortic aneurysms and dissections. Identifiers: Orphanet 91387, MedGen C4707243, MONDO:0019625.
Hereditary cancer-predisposing syndrome. Also called: Neoplastic Syndromes, Hereditary; Tumor predisposition; Hereditary neoplastic syndrome; Hereditary Cancer Syndrome. Identifiers: Orphanet 140162, MedGen C0027672, MeSH D009386, MONDO:0015356.

Submission:

Ambry Genetics
Classification: Uncertain significance for Hereditary cancer-predisposing syndrome; Familial thoracic aortic aneurysm and aortic dissection. Last evaluated: 2026-07-30. Review status: criteria provided, single submitter. Criteria: Ambry Variant Classification Scheme 2023. Collection method: clinical testing. Allele origin: germline.
Comment: The p.T62P variant (also known as c.184A>C), located in coding exon 1 of the SMAD4 gene, results from an A to C substitution at nucleotide position 184. The threonine at codon 62 is replaced by proline, an amino acid with highly similar properties. This amino acid position is well conserved in available vertebrate species. In addition, this alteration is predicted to be deleterious by in silico analysis. Based on the available evidence, the clinical significance of this variant remains unclear.